The following is an entry in ClinVar:

NM_001130004.2(ACTN1):c.2677G>A (p.Asp893Asn)

Gene: ACTN1 (actinin alpha 1; minus strand). Cytogenetic location: 14q24.1.
Variant type: single nucleotide variant.
Coding change: c.2677G>A on transcript NM_001130004.2 (MANE Select); coding-DNA position 2677, G replaced by A.
Protein change: p.Asp893Asn; replaces aspartic acid 893 with asparagine.
Molecular consequence: missense variant.
Genome position (GRCh38, 1-based): chr14:68,874,927, C>T on the plus strand (G>A on the coding strand, the complement: ACTN1 is on the minus strand). VCF-style: chr14-68874927-C-T. GRCh37 (hg19) VCF-style: chr14-69341644-C-T.
Other names: c.2416G>A, p.Asp806Asn (NM_001411036.1, NM_001424026.1); c.2740G>A, p.Asp914Asn (NM_001424012.1); c.2737G>A, p.Asp913Asn (NM_001424013.1); c.2725G>A, p.Asp909Asn (NM_001424014.1); c.2698G>A, p.Asp900Asn (NM_001424015.1); c.2635G>A, p.Asp879Asn (NM_001424016.1); c.2608G>A, p.Asp870Asn (NM_001424017.1); c.2572G>A, p.Asp858Asn (NM_001424018.1); and 14 more; short protein forms D844N, D893N, D909N, D596N, D783N, D850N, D853N, D858N.
Identifiers: ClinVar variation 4779042 (VCV004779042.1).
Genomic context (GRCh38, chr14:68,874,927, plus strand): 5'-CACTCTCGCCGTACAGCGCCGTGGAGAAGGACATGTAGTCCAGAGCACCTGGCACGGAGT[C>T]GGGGCCGGTGTAGGGGGCCATCCGCGCGATGCAGTACTCAGCCTGGTCGGGTGGCAGCTC-3'
Protein context (NP_001123476.1, residues 883-903): IARMAPYTGP[Asp893Asn]SVPGALDYMS

ClinVar aggregate classification (germline): Uncertain significance (1 of 4 stars; one submission).

gnomAD v4.1: 3 of 1,612,084 alleles (0.00019%); highest among the groups gnomAD compares: Admixed American, 0.0017%; no homozygotes.

Submission:

Labcorp Genetics (formerly Invitae), Labcorp
Classification: Uncertain significance. Last evaluated: 2025-12-26. Review status: criteria provided, single submitter. Criteria: Invitae Variant Classification Sherloc (09022015). Collection method: clinical testing. Allele origin: germline.
Comment: This sequence change replaces aspartic acid, which is acidic and polar, with asparagine, which is neutral and polar, at codon 893 of the ACTN1 protein (p.Asp893Asn). This variant is not present in population databases (gnomAD no frequency). This variant has not been reported in the literature in individuals affected with ACTN1-related conditions. An algorithm developed to predict the effect of missense changes on protein structure and function (PolyPhen-2) suggests that this variant is likely to be tolerated. In summary, the available evidence is currently insufficient to determine the role of this variant in disease. Therefore, it has been classified as a Variant of Uncertain Significance.